The following is an entry in ClinVar:

NM_000094.4(COL7A1):c.7007G>A (p.Gly2336Glu)

Gene: COL7A1 (collagen type VII alpha 1 chain; minus strand). Cytogenetic location: 3p21.31.
Variant type: single nucleotide variant.
Coding change: c.7007G>A on transcript NM_000094.4 (MANE Select); coding-DNA position 7007, G replaced by A.
Protein change: p.Gly2336Glu; replaces glycine 2336 with glutamic acid.
Molecular consequence: missense variant.
Genome position (GRCh38, 1-based): chr3:48,572,143, C>T on the plus strand (G>A on the coding strand, the complement: COL7A1 is on the minus strand). VCF-style: chr3-48572143-C-T. GRCh37 (hg19) VCF-style: chr3-48609576-C-T.
Other names: short protein forms G2336E.
Identifiers: ClinVar variation 1481462 (VCV001481462.6), dbSNP rs2107655052, ClinGen allele CA352652359.

ClinVar aggregate classification (germline): Uncertain significance (1 of 4 stars; one submission).

Submission:

Labcorp Genetics (formerly Invitae), Labcorp
Classification: Uncertain significance. Last evaluated: 2021-10-19. Review status: criteria provided, single submitter. Criteria: Invitae Variant Classification Sherloc (09022015). Collection method: clinical testing. Allele origin: germline.
Comment: In summary, the available evidence is currently insufficient to determine the role of this variant in disease. Therefore, it has been classified as a Variant of Uncertain Significance. This variant disrupts the triple helix domain of COL7A1. Glycine residues within the Gly-Xaa-Yaa repeats of the triple helix domain are required for the structure and stability of fibrillar collagens (PMID: 7695699, 8218237, 19344236), and variants at these glycine residues in COL7A1 are more frequently observed in individuals with disease than in the general population (PMID: 22058051). However, the clinical significance of this observation remains uncertain since only a limited number of affected individuals have been described to date. Advanced modeling of protein sequence and biophysical properties (such as structural, functional, and spatial information, amino acid conservation, physicochemical variation, residue mobility, and thermodynamic stability) performed at Invitae indicates that this missense variant is expected to disrupt COL7A1 protein function. This variant has not been reported in the literature in individuals affected with COL7A1-related conditions. This variant is not present in population databases (ExAC no frequency). This sequence change replaces glycine with glutamic acid at codon 2336 of the COL7A1 protein (p.Gly2336Glu). The glycine residue is highly conserved and there is a moderate physicochemical difference between glycine and glutamic acid.

Literature cited by the submitters: PubMed 7695699; PubMed 8218237; PubMed 19344236; PubMed 22058051.